The following is an entry in ClinVar:

NC_000009.11:g.(?_214957)_(340341_?)dup

Genes: DOCK8-AS1 (DOCK8 antisense RNA 1; minus strand), DOCK8 (dedicator of cytokinesis 8; plus strand), LOC130001440 (ATAC-STARR-seq lymphoblastoid active region 28116; plus strand), LOC126860552 (BRD4-independent group 4 enhancer GRCh37_chr9:285795-286994; plus strand), LOC130001439 (ATAC-STARR-seq lymphoblastoid active region 28115; plus strand) and 2 more. Cytogenetic location: 9p24.3.
Variant type: Duplication.
Identifiers: ClinVar variation 584113 (VCV000584113.3).

ClinVar aggregate classification (germline): Uncertain significance (1 of 4 stars; one submission).

Conditions:
Combined immunodeficiency due to DOCK8 deficiency (HIES2). Also called: DOCK8 Deficiency; Hyper-IgE recurrent infection syndrome, autosomal recessive; HIES autosomal recessive; HYPER-IgE RECURRENT INFECTION SYNDROME 2, AUTOSOMAL RECESSIVE; HYPER-IgE SYNDROME 2, AUTOSOMAL RECESSIVE, WITH RECURRENT INFECTIONS. Identifiers: Orphanet 217390, MedGen C4722305, MONDO:0009478, OMIM 243700.

Submission:

Labcorp Genetics (formerly Invitae), Labcorp
Classification: Uncertain significance for Hyper-Immunoglobulin E Syndrome, Autosomal Recessive. Last evaluated: 2019-12-16. Review status: criteria provided, single submitter. Criteria: Invitae Variant Classification Sherloc (09022015). Collection method: clinical testing. Allele origin: germline.
Comment: This variant is a gross duplication of the genomic region encompassing exons 1-14 of the DOCK8 gene. The 5' end of this event is unknown as it extends beyond the assayed region for this gene and therefore may encompass additional genes. The 3' boundary is likely confined to intron 14 of the DOCK8 gene. The exact location of this variant in the genome is unknown. This variant has not been reported in the literature in individuals with DOCK8-related disease. Experimental studies and prediction algorithms are not available for this variant, and the functional significance of the duplicated amino acids is currently unknown. In summary, the available evidence is currently insufficient to determine the role of this variant in disease. Therefore, it has been classified as a Variant of Uncertain Significance.